The following is an entry in ClinVar:

NM_001330078.2(NRXN1):c.3017A>G (p.Asp1006Gly)

Gene: NRXN1 (neurexin 1; minus strand). Cytogenetic location: 2p16.3.
Variant type: single nucleotide variant.
Coding change: c.3017A>G on transcript NM_001330078.2 (MANE Select); coding-DNA position 3017, A replaced by G.
Protein change: p.Asp1006Gly; replaces aspartic acid 1006 with glycine.
Molecular consequence: missense variant.
Genome position (GRCh38, 1-based): chr2:50,495,958, T>C on the plus strand (A>G on the coding strand, the complement: NRXN1 is on the minus strand). VCF-style: chr2-50495958-T-C. GRCh37 (hg19) VCF-style: chr2-50723096-T-C.
Other names: c.2951A>G, p.Asp984Gly (NM_001330083.2, NM_001330084.2); c.2990A>G, p.Asp997Gly (NM_001330085.2); c.3017A>G, p.Asp1006Gly (NM_001330086.2, NM_004801.6); c.2906A>G, p.Asp969Gly (NM_001330087.2, NM_001330096.2); c.2936A>G, p.Asp979Gly (NM_001330088.2); c.3014A>G, p.Asp1005Gly (NM_001330093.2); c.3005A>G, p.Asp1002Gly (NM_001330094.2); c.2966A>G, p.Asp989Gly (NM_001330095.2); and 2 more; short protein forms D989G, D997G, D1002G, D998G, D1006G, D969G, D979G, D984G.
Identifiers: ClinVar variation 2798605 (VCV002798605.3), dbSNP rs201998509, ClinGen allele CA47358960.

ClinVar aggregate classification (germline): Uncertain significance (1 of 4 stars; one submission).

Conditions:
Pitt-Hopkins-like syndrome 2 (PTHSL2). Identifiers: Orphanet 221150, Orphanet 600663, MedGen C3280479, MONDO:0013690, OMIM 614325.

Allele frequency attached by ClinVar (database versions not stated): gnomAD exomes below 0.00001.
gnomAD v4.1: 2 of 1,610,670 alleles (0.00012%); highest among the groups gnomAD compares: Non-Finnish European, 0.00017%; no homozygotes.

Submission:

Labcorp Genetics (formerly Invitae), Labcorp
Classification: Uncertain significance for Pitt-Hopkins-like syndrome 2. Last evaluated: 2023-02-01. Review status: criteria provided, single submitter. Criteria: Invitae Variant Classification Sherloc (09022015). Collection method: clinical testing. Allele origin: germline.
Comment: In summary, the available evidence is currently insufficient to determine the role of this variant in disease. Therefore, it has been classified as a Variant of Uncertain Significance. Algorithms developed to predict the effect of missense changes on protein structure and function (SIFT, PolyPhen-2, Align-GVGD) all suggest that this variant is likely to be disruptive. This variant has not been reported in the literature in individuals affected with NRXN1-related conditions. This variant is not present in population databases (gnomAD no frequency). This sequence change replaces aspartic acid, which is acidic and polar, with glycine, which is neutral and non-polar, at codon 1046 of the NRXN1 protein (p.Asp1046Gly).